The following is an entry in ClinVar:

ClinVar aggregate classification (germline): Benign (1 of 4 stars; one submission).

Allele frequency attached by ClinVar (database versions not stated): 1000 Genomes Project 30x 0.00281; 1000 Genomes Project 0.00300; ESP Exome Variant Server 0.00664; gnomAD 0.00728; TOPMed 0.00766; ExAC 0.00772; gnomAD exomes 0.00991.
gnomAD v4.1: 15,646 of 1,613,066 alleles (0.97%); highest among the groups gnomAD compares: Non-Finnish European, 1.1%; 99 homozygotes.

Submission:

CeGaT Center for Human Genetics Tuebingen
Classification: Benign. Last evaluated: 2025-11-01. Review status: criteria provided, single submitter. Criteria: CeGaT Center For Human Genetics Tuebingen Variant Classification Criteria Version 2. Collection method: clinical testing. Allele origin: germline. Affected: yes. Observed: 3 variant alleles.
Comment: KRTAP10-5: BP4, BS1, BS2; TSPEAR: BS1, BS2

NM_198694.3(KRTAP10-5):c.172C>T (p.Pro58Ser)

Genes: KRTAP10-5 (keratin associated protein 10-5; minus strand), TSPEAR (thrombospondin type laminin G domain and EAR repeats; minus strand). Cytogenetic location: 21q22.3.
Variant type: single nucleotide variant.
Coding change: c.172C>T on transcript NM_198694.3 (MANE Select); coding-DNA position 172, C replaced by T.
Protein change: p.Pro58Ser; replaces proline 58 with serine.
Molecular consequence: missense variant. On other transcripts: intron variant (2).
Genome position (GRCh38, 1-based): chr21:44,580,407, G>A on the plus strand (C>T on the coding strand, the complement: KRTAP10-5 is on the minus strand). VCF-style: chr21-44580407-G-A. GRCh37 (hg19) VCF-style: chr21-46000284-G-A.
Other names: c.83-12402C>T (NM_144991.3); c.-122-12402C>T (NM_001272037.2); short protein forms P58S.
Identifiers: ClinVar variation 2652767 (VCV002652767.24), dbSNP rs142526502, ClinGen allele CA10058752.